The following is an entry in ClinVar:

ClinVar aggregate classification (germline): Likely benign. Review status: criteria provided, multiple submitters, no conflicts (2 of 4 stars). 5 submissions from 5 submitters: Likely benign (4). 1 of the submissions does not count toward it. Last evaluated 2026-03-01.

Conditions:
CAD-related disorder. Also called: CAD-related condition.

Allele frequency attached by ClinVar (database versions not stated): gnomAD 0.00004 and 0.00005; gnomAD exomes 0.00005 and 0.00012; TOPMed 0.00006; ExAC 0.00007.
gnomAD v4.1: 86 of 1,613,992 alleles (0.0053%); highest among the groups gnomAD compares: Middle Eastern, 0.066%; no homozygotes.

Submissions (5):

CeGaT Center for Human Genetics Tuebingen
Classification: Likely benign. Last evaluated: 2026-03-01. Review status: criteria provided, single submitter. Criteria: CeGaT Center For Human Genetics Tuebingen Variant Classification Criteria Version 2. Collection method: clinical testing. Allele origin: germline. Affected: yes. Observed: 1 variant allele.
Comment: CAD: BP4, BP7

Labcorp Genetics (formerly Invitae), Labcorp
Classification: Likely benign. Last evaluated: 2026-02-01. Review status: criteria provided, single submitter. Criteria: Invitae Variant Classification Sherloc (09022015). Collection method: clinical testing. Allele origin: germline.

Mayo Clinic Laboratories, Mayo Clinic
Classification: Likely benign. Last evaluated: 2025-12-04. Review status: criteria provided, single submitter. Criteria: ACMG Guidelines, 2015. Collection method: clinical testing. Allele origin: germline. Observed: 1 variant allele.
Comment: BP4, BP7

Blueprint Genetics
Classification: Likely benign. Last evaluated: 2024-11-13. Review status: criteria provided, single submitter. Criteria: ACMG Guidelines, 2015. Collection method: clinical testing. Allele origin: germline.

PreventionGenetics, part of Exact Sciences
Classification: Likely benign for CAD-related condition. Last evaluated: 2019-04-05. Review status: no assertion criteria provided. Collection method: clinical testing. Allele origin: germline. Not counted in ClinVar's aggregate classification.
Comment: This variant is classified as likely benign based on ACMG/AMP sequence variant interpretation guidelines (Richards et al. 2015 PMID: 25741868, with internal and published modifications).

NM_004341.5(CAD):c.4320A>G (p.Leu1440=)

Gene: CAD (carbamoyl-phosphate synthetase 2, aspartate transcarbamylase, and dihydroorotase; plus strand). Cytogenetic location: 2p23.3.
Variant type: single nucleotide variant.
Coding change: c.4320A>G on transcript NM_004341.5 (MANE Select); coding-DNA position 4320, A replaced by G.
Protein change: p.Leu1440=; no amino-acid change (leucine 1440 retained).
Molecular consequence: synonymous variant.
Genome position (GRCh38, 1-based): chr2:27,236,754, A>G. VCF-style: chr2-27236754-A-G. GRCh37 (hg19) VCF-style: chr2-27459622-A-G.
Other names: p.Leu1440=; c.4131A>G, p.Leu1377= (NM_001306079.2); c.4320A>G (NM_004341.4).
Identifiers: ClinVar variation 1079072 (VCV001079072.17), dbSNP rs760485703, ClinGen allele CA1573496.
Genomic context (GRCh38, chr2:27,236,754, plus strand): 5'-CCCTACAACTCCCAGGATCACCCTTCCCTTAAAGCTGACTGCTTTCCACTTGCAGGCCCT[A>G]GGCCAGATCGGGCCAGCCCCTCCTTTGAAGGTGCATGTTGACTGTATGACCTCCCAAAAG-3'
Protein context (NP_004332.2, residues 1430-1450): IKCTKLFVEA[Leu1440=]GQIGPAPPLK